The following is an entry in ClinVar:

NM_006343.3(MERTK):c.2386C>T (p.Arg796Trp)

Gene: MERTK (MER proto-oncogene, tyrosine kinase; plus strand). Cytogenetic location: 2q13.
Variant type: single nucleotide variant.
Coding change: c.2386C>T on transcript NM_006343.3 (MANE Select); coding-DNA position 2386, C replaced by T.
Protein change: p.Arg796Trp; replaces arginine 796 with tryptophan.
Molecular consequence: missense variant.
Genome position (GRCh38, 1-based): chr2:112,022,294, C>T. VCF-style: chr2-112022294-C-T. GRCh37 (hg19) VCF-style: chr2-112779871-C-T.
Other names: c.2386C>T (NM_006343.2); short protein forms R796W.
Identifiers: ClinVar variation 1021346 (VCV001021346.9), dbSNP rs539760413, ClinGen allele CA1831822.
Genomic context (GRCh38, chr2:112,022,294, plus strand): 5'-AACTTGTTGTTGCTTTGTTCCCAGTGGGCATTTGGCGTGACCATGTGGGAAATAGCTACG[C>T]GGGGAATGACTCCCTATCCTGGGGTCCAGAACCATGAGATGTATGACTATCTTCTCCATG-3'
Protein context (NP_006334.2, residues 786-806): FGVTMWEIAT[Arg796Trp]GMTPYPGVQN

ClinVar aggregate classification (germline): Uncertain significance. Review status: criteria provided, multiple submitters, no conflicts (2 of 4 stars). 3 submissions from 3 submitters: Uncertain significance (3). Last evaluated 2024-07-22.

Conditions:
Inborn genetic diseases. Identifiers: MedGen C0950123, MeSH D030342.

Allele frequency attached by ClinVar (database versions not stated): gnomAD 0.00004 and 0.00005; TOPMed 0.00004; ExAC 0.00005; gnomAD exomes 0.00006 and 0.00011; 1000 Genomes Project 30x 0.00016; 1000 Genomes Project 0.00020.
gnomAD v4.1: 165 of 1,614,192 alleles (0.01%); highest among the groups gnomAD compares: South Asian, 0.018%; no homozygotes.

Submissions (3):

Blueprint Genetics
Classification: Uncertain significance. Last evaluated: 2024-07-22. Review status: criteria provided, single submitter. Criteria: ACMG Guidelines, 2015. Collection method: clinical testing. Allele origin: germline.

Ambry Genetics
Classification: Uncertain significance for Inborn genetic diseases. Last evaluated: 2024-06-25. Review status: criteria provided, single submitter. Criteria: Ambry Variant Classification Scheme 2023. Collection method: clinical testing. Allele origin: germline.

Labcorp Genetics (formerly Invitae), Labcorp
Classification: Uncertain significance. Last evaluated: 2021-06-19. Review status: criteria provided, single submitter. Criteria: Invitae Variant Classification Sherloc (09022015). Collection method: clinical testing. Allele origin: germline.
Comment: This sequence change replaces arginine with tryptophan at codon 796 of the MERTK protein (p.Arg796Trp). The arginine residue is highly conserved and there is a moderate physicochemical difference between arginine and tryptophan. This variant is present in population databases (rs539760413, ExAC 0.02%). This variant has not been reported in the literature in individuals with MERTK-related conditions. Algorithms developed to predict the effect of missense changes on protein structure and function (SIFT, PolyPhen-2, Align-GVGD) all suggest that this variant is likely to be disruptive, but these predictions have not been confirmed by published functional studies and their clinical significance is uncertain. In summary, the available evidence is currently insufficient to determine the role of this variant in disease. Therefore, it has been classified as a Variant of Uncertain Significance.